The following is an entry in ClinVar:

ClinVar aggregate classification (germline): Uncertain significance. Review status: criteria provided, multiple submitters, no conflicts (2 of 4 stars). 2 submissions from 2 submitters: Uncertain significance (2). Last evaluated 2023-09-17.

Conditions:
Familial thoracic aortic aneurysm and aortic dissection (TAAD). Also called: Thoracic aortic aneurysms and dissections. Identifiers: Orphanet 91387, MedGen C4707243, MONDO:0019625.

Submissions (2):

All of Us Research Program, National Institutes of Health
Classification: Uncertain significance for Familial thoracic aortic aneurysm and aortic dissection. Last evaluated: 2023-09-17. Review status: criteria provided, single submitter. Criteria: ACMG Guidelines, 2015. Collection method: clinical testing. Allele origin: germline. Inheritance: Autosomal dominant inheritance. Observed: 1 variant allele, 1 heterozygote.
Comment: This variant causes a T>G nucleotide substitution at the -15 position of intron 20 of the MYH11 gene. To our knowledge, functional studies have not been reported for this variant. This variant has not been reported in individuals affected with MYH11-related disorders in the literature. This variant has not been identified in the general population by the Genome Aggregation Database (gnomAD). The available evidence is insufficient to determine the role of this variant in disease conclusively. Therefore, this variant is classified as a Variant of Uncertain Significance.

This study involves interpretation of variants in research participants for the purpose of population health screening. Participant phenotype was not available at the time of variant classification. Additional details can be found in publication PMID: 35346344, PMCID: PMC8962531

Color Diagnostics, LLC DBA Color Health
Classification: Uncertain significance for Familial thoracic aortic aneurysm and aortic dissection. Last evaluated: 2023-09-08. Review status: criteria provided, single submitter. Criteria: ACMG Guidelines, 2015. Collection method: clinical testing. Allele origin: germline.
Comment: This variant causes a T>G nucleotide substitution at the -15 position of intron 20 of the MYH11 gene. To our knowledge, functional studies have not been reported for this variant. This variant has not been reported in individuals affected with MYH11-related disorders in the literature. This variant has not been identified in the general population by the Genome Aggregation Database (gnomAD). The available evidence is insufficient to determine the role of this variant in disease conclusively. Therefore, this variant is classified as a Variant of Uncertain Significance.

NM_002474.3(MYH11):c.2412-15T>G

Gene: MYH11 (myosin heavy chain 11; minus strand). Cytogenetic location: 16p13.11.
Variant type: single nucleotide variant.
Coding change: c.2412-15T>G on transcript NM_002474.3 (MANE Select); 15 bases into the intron before coding-DNA position 2412, T replaced by G.
Molecular consequence: intron variant.
Genome position (GRCh38, 1-based): chr16:15,745,252, A>C on the plus strand (T>G on the coding strand, the complement: MYH11 is on the minus strand). VCF-style: chr16-15745252-A-C. GRCh37 (hg19) VCF-style: chr16-15839109-A-C.
Other names: c.2412-15T>G (NM_022844.3); c.2433-15T>G (NM_001040114.2, NM_001040113.2).
Identifiers: ClinVar variation 920635 (VCV000920635.6), dbSNP rs373833673, ClinGen allele CA1139664557.
Genomic context (GRCh38, chr16:15,745,252, plus strand): 5'-AATCACCTTCATGGCGGTCAGCTGCTGCTGCCTCTTGGCAAAAGCCCTAGGGAGGGGGGA[A>C]GAGAAGGTGCGGGGGTCATGAAGCCACACCCTGCTGTCAACAGAGCCCTGCCCTGCAGCA-3'